The following is an entry in ClinVar:

NM_006939.4(SOS2):c.2763T>A (p.Asn921Lys)

Gene: SOS2 (SOS Ras/Rho guanine nucleotide exchange factor 2; minus strand). Cytogenetic location: 14q21.3.
Variant type: single nucleotide variant.
Coding change: c.2763T>A on transcript NM_006939.4 (MANE Select); coding-DNA position 2763, T replaced by A.
Protein change: p.Asn921Lys; replaces asparagine 921 with lysine.
Molecular consequence: missense variant.
Genome position (GRCh38, 1-based): chr14:50,139,964, A>T on the plus strand (T>A on the coding strand, the complement: SOS2 is on the minus strand). VCF-style: chr14-50139964-A-T. GRCh37 (hg19) VCF-style: chr14-50606682-A-T.
Other names: c.2664T>A, p.Asn888Lys (NM_001411020.1); short protein forms N921K, N888K.
Identifiers: ClinVar variation 5030030 (VCV005030030.1).

ClinVar aggregate classification (germline): Uncertain significance (1 of 4 stars; one submission).

Conditions:
Cardiovascular phenotype. Identifiers: MedGen CN230736.

Submission:

Ambry Genetics
Classification: Uncertain significance for Cardiovascular phenotype. Last evaluated: 2026-08-08. Review status: criteria provided, single submitter. Criteria: Ambry Variant Classification Scheme 2023. Collection method: clinical testing. Allele origin: germline.
Comment: The p.N921K variant (also known as c.2763T>A), located in coding exon 17 of the SOS2 gene, results from a T to A substitution at nucleotide position 2763. The asparagine at codon 921 is replaced by lysine, an amino acid with similar properties. This amino acid position is conserved. In addition, this alteration is predicted to be tolerated by in silico analysis. Based on the available evidence, the clinical significance of this variant remains unclear.